The following is an entry in ClinVar:

NM_203447.4(DOCK8):c.3573C>G (p.Ser1191Arg)

Gene: DOCK8 (dedicator of cytokinesis 8; plus strand). Cytogenetic location: 9p24.3.
Variant type: single nucleotide variant.
Coding change: c.3573C>G on transcript NM_203447.4 (MANE Select); coding-DNA position 3573, C replaced by G.
Protein change: p.Ser1191Arg; replaces serine 1191 with arginine.
Molecular consequence: missense variant.
Genome position (GRCh38, 1-based): chr9:414,824, C>G. VCF-style: chr9-414824-C-G. GRCh37 (hg19) VCF-style: chr9-414824-C-G.
Other names: c.3273C>G, p.Ser1091Arg (NM_001190458.2); c.3369C>G, p.Ser1123Arg (NM_001193536.2); short protein forms S1191R, S1123R, S1091R.
Identifiers: ClinVar variation 449655 (VCV000449655.12), dbSNP rs13285348, ClinGen allele CA372760372.

ClinVar aggregate classification (germline): Uncertain significance. Review status: criteria provided, multiple submitters, no conflicts (2 of 4 stars). 2 submissions from 2 submitters: Uncertain significance (2). Last evaluated 2019-11-07.

Conditions:
Combined immunodeficiency due to DOCK8 deficiency (HIES2). Also called: HIES autosomal recessive; HYPER-IgE SYNDROME 2, AUTOSOMAL RECESSIVE, WITH RECURRENT INFECTIONS; Hyper-IgE recurrent infection syndrome, autosomal recessive; HYPER-IgE RECURRENT INFECTION SYNDROME 2, AUTOSOMAL RECESSIVE; DOCK8 Deficiency. Identifiers: Orphanet 217390, MedGen C4722305, MONDO:0009478, OMIM 243700.

Allele frequency attached by ClinVar (database versions not stated): TOPMed 0.00001.
gnomAD v4.1: 8 of 1,614,082 alleles (0.0005%); highest among the groups gnomAD compares: Non-Finnish European, 0.00059%; no homozygotes.

Submissions (2):

Labcorp Genetics (formerly Invitae), Labcorp
Classification: Uncertain significance for Combined immunodeficiency due to DOCK8 deficiency. Last evaluated: 2019-11-07. Review status: criteria provided, single submitter. Criteria: Invitae Variant Classification Sherloc (09022015). Collection method: clinical testing. Allele origin: germline.
Comment: This sequence change replaces serine with arginine at codon 1191 of the DOCK8 protein (p.Ser1191Arg). The serine residue is moderately conserved and there is a moderate physicochemical difference between serine and arginine. This variant is not present in population databases (ExAC no frequency). This variant has not been reported in the literature in individuals with DOCK8-related disease. ClinVar contains an entry for this variant (Variation ID: 449655). Algorithms developed to predict the effect of missense changes on protein structure and function are either unavailable or do not agree on the potential impact of this missense change (SIFT: "Tolerated"; PolyPhen-2: "Possibly Damaging"; Align-GVGD: "Class C0"). In summary, the available evidence is currently insufficient to determine the role of this variant in disease. Therefore, it has been classified as a Variant of Uncertain Significance.

GeneDx
Classification: Uncertain significance. Last evaluated: 2017-07-07. Review status: criteria provided, single submitter. Criteria: GeneDx Variant Classification (06012015). Collection method: clinical testing. Allele origin: germline. Affected: yes.
Comment: The S1191R variant in the DOCK8 gene has not been reported previously as a pathogenic variant, nor as a benign variant, to our knowledge. The S1191R variant is not observed in large population cohorts (Lek et al., 2016; 1000 Genomes Consortium et al., 2015; Exome Variant Server). The S1191R variant is a semi-conservative amino acid substitution, which may impact secondary protein structure as these residues differ in some properties. In silico analysis predicts this variant is probably damaging to the protein structure/function. However, this substitution occurs at a position that is not conserved. Therefore, we interpret S1191R as a variant of uncertain significance.